The following is an entry in ClinVar:

ClinVar aggregate classification (germline): Uncertain significance. Review status: criteria provided, multiple submitters, no conflicts (2 of 4 stars). 5 submissions from 5 submitters: Uncertain significance (4). 1 of the submissions does not count toward it. Last evaluated 2024-10-15.

Conditions:
BBS1-related disorder. Also called: BBS1-related condition.
Bardet-Biedl syndrome 1 (BBS1). Identifiers: MedGen C2936862, MONDO:0008854, OMIM 209900. Disease mechanism: loss of function.
Bardet-Biedl syndrome (BBS). Identifiers: Orphanet 110, MedGen C0752166, MONDO:0015229.

Allele frequency attached by ClinVar (database versions not stated): gnomAD exomes 0.00001 and 0.00004; TOPMed 0.00006; ExAC 0.00004; gnomAD 0.00007 and 0.00006; ESP Exome Variant Server 0.00015.
gnomAD v4.1: 30 of 1,609,958 alleles (0.0019%); highest among the groups gnomAD compares: African/African-American, 0.0093%; no homozygotes.

Submissions (5):

Blueprint Genetics
Classification: Uncertain significance. Last evaluated: 2024-10-15. Review status: criteria provided, single submitter. Criteria: ACMG Guidelines, 2015. Collection method: clinical testing. Allele origin: germline.

Fulgent Genetics
Classification: Uncertain significance for Bardet-Biedl syndrome 1. Last evaluated: 2024-06-13. Review status: criteria provided, single submitter. Criteria: ACMG Guidelines, 2015. Collection method: clinical testing. Allele origin: germline.

Labcorp Genetics (formerly Invitae), Labcorp
Classification: Uncertain significance for Bardet-Biedl syndrome. Last evaluated: 2022-06-08. Review status: criteria provided, single submitter. Criteria: Invitae Variant Classification Sherloc (09022015). Collection method: clinical testing. Allele origin: germline.
Comment: This sequence change replaces arginine, which is basic and polar, with histidine, which is basic and polar, at codon 465 of the BBS1 protein (p.Arg465His). This variant is present in population databases (rs146072788, gnomAD 0.01%). This variant has not been reported in the literature in individuals affected with BBS1-related conditions. ClinVar contains an entry for this variant (Variation ID: 305470). Algorithms developed to predict the effect of missense changes on protein structure and function are either unavailable or do not agree on the potential impact of this missense change (SIFT: "Deleterious"; PolyPhen-2: "Probably Damaging"; Align-GVGD: "Class C0"). In summary, the available evidence is currently insufficient to determine the role of this variant in disease. Therefore, it has been classified as a Variant of Uncertain Significance.

Illumina Laboratory Services, Illumina
Classification: Uncertain significance for Bardet-Biedl syndrome 1. Last evaluated: 2018-01-13. Review status: criteria provided, single submitter. Criteria: ICSL Variant Classification Criteria 13 December 2019. Collection method: clinical testing. Allele origin: germline.

PreventionGenetics, part of Exact Sciences
Classification: Uncertain significance for BBS1-related condition. Last evaluated: 2024-05-15. Review status: no assertion criteria provided. Collection method: clinical testing. Allele origin: germline. Not counted in ClinVar's aggregate classification.
Comment: The BBS1 c.1394G>A variant is predicted to result in the amino acid substitution p.Arg465His. To our knowledge, this variant has not been reported in the literature. This variant is reported in 0.010% of alleles in individuals of East Asian descent in gnomAD. At this time, the clinical significance of this variant is uncertain due to the absence of conclusive functional and genetic evidence.

NM_024649.5(BBS1):c.1394G>A (p.Arg465His)

Genes: BBS1 (Bardet-Biedl syndrome 1; plus strand), ZDHHC24 (zDHHC palmitoyltransferase 24; minus strand). Cytogenetic location: 11q13.2.
Variant type: single nucleotide variant.
Coding change: c.1394G>A on transcript NM_024649.5 (MANE Select); coding-DNA position 1394, G replaced by A.
Protein change: p.Arg465His; replaces arginine 465 with histidine.
Molecular consequence: missense variant. On other transcripts: intron variant (1).
Genome position (GRCh38, 1-based): chr11:66,529,873, G>A. VCF-style: chr11-66529873-G-A. GRCh37 (hg19) VCF-style: chr11-66297344-G-A.
Other names: c.560-385C>T (NM_001348571.2); short protein forms R465H.
Identifiers: ClinVar variation 305470 (VCV000305470.49), dbSNP rs146072788, ClinGen allele CA6123754.